The following is an entry in ClinVar:

NM_001111125.3(IQSEC2):c.3872C>T (p.Pro1291Leu)

Gene: IQSEC2 (IQ motif and Sec7 domain ArfGEF 2; minus strand). Cytogenetic location: Xp11.22.
Variant type: single nucleotide variant.
Coding change: c.3872C>T on transcript NM_001111125.3 (MANE Select); coding-DNA position 3872, C replaced by T.
Protein change: p.Pro1291Leu; replaces proline 1291 with leucine.
Molecular consequence: missense variant. On other transcripts: 3 prime UTR variant (1).
Genome position (GRCh38, 1-based): chrX:53,234,814, G>A on the plus strand (C>T on the coding strand, the complement: IQSEC2 is on the minus strand). VCF-style: chrX-53234814-G-A. GRCh37 (hg19) VCF-style: chrX-53263996-G-A.
Other names: c.*357C>T (NM_001410736.1, NM_015075.2); short protein forms P1291L.
Identifiers: ClinVar variation 1718505 (VCV001718505.6), dbSNP rs2519672413, ClinGen allele CA413140332.

ClinVar aggregate classification (germline): Uncertain significance (1 of 4 stars; one submission).

Conditions:
Intellectual developmental disorder, X-linked 1. Also called: MENTAL RETARDATION, X-LINKED 18; MENTAL RETARDATION, X-LINKED 78; Intellectual disability, X-linked 1; Atkin Flaitz Patil Smith syndrome. Identifiers: Orphanet 777, MedGen C2931498, MONDO:0010656, OMIM 309530.

Submission:

Labcorp Genetics (formerly Invitae), Labcorp
Classification: Uncertain significance for Intellectual developmental disorder, X-linked 1. Last evaluated: 2022-08-31. Review status: criteria provided, single submitter. Criteria: Invitae Variant Classification Sherloc (09022015). Collection method: clinical testing. Allele origin: germline.
Comment: In summary, the available evidence is currently insufficient to determine the role of this variant in disease. Therefore, it has been classified as a Variant of Uncertain Significance. Advanced modeling of protein sequence and biophysical properties (such as structural, functional, and spatial information, amino acid conservation, physicochemical variation, residue mobility, and thermodynamic stability) performed at Invitae indicates that this missense variant is not expected to disrupt IQSEC2 protein function. This variant has not been reported in the literature in individuals affected with IQSEC2-related conditions. This variant is not present in population databases (gnomAD no frequency). This sequence change replaces proline, which is neutral and non-polar, with leucine, which is neutral and non-polar, at codon 1291 of the IQSEC2 protein (p.Pro1291Leu).